The following is an entry in ClinVar:

ClinVar aggregate classification (germline): Pathogenic (1 of 4 stars; one submission).

Conditions:
Glycogen storage disease, type II (IOPD). Also called: Pompe Disease; CARDIOMEGALIA GLYCOGENICA DIFFUSA; GLYCOGENOSIS, GENERALIZED, CARDIAC FORM; GSD II; POMPE DISEASE, INFANTILE-ONSET; GLYCOGEN STORAGE DISEASE II, INFANTILE-ONSET. Identifiers: Orphanet 365, MedGen C0017921, MONDO:0009290, OMIM 232300.

Submission:

Genomenon, Inc
Classification: Pathogenic for Glycogen storage disease, type II. Last evaluated: 2026-07-01. Review status: criteria provided, single submitter. Criteria: Genomenon Sequence Variant Interpretation Standards - Updated. Collection method: curation. Allele origin: germline.
Comment: GAA p.Leu18SerfsTer25 (c.52del) is a frameshift variant that is predicted to introduce a premature termination codon and result in a truncated or absent protein product. This variant has been reported in the compound heterozygous and/or homozygous state in at least one individual without a confirmed diagnosis of Pompe disease (PMID:26501342). Functional studies have been reported (PMID:26501342). It is absent or not present at a significant frequency in gnomAD. In conclusion, we classify GAA p.Leu18SerfsTer25 (c.52del) as a pathogenic variant.

Literature cited by the submitters: PubMed 26501342.

NM_000152.5(GAA):c.52del (p.Leu18fs)

Gene: GAA (alpha glucosidase; plus strand). Cytogenetic location: 17q25.3.
Variant type: Deletion.
Coding change: c.52del on transcript NM_000152.5 (MANE Select); coding-DNA position 52, one base deleted (C; older notation c.52delC).
Protein change: p.Leu18fs; shifts the reading frame from leucine 18.
Molecular consequence: frameshift variant.
Genome position (GRCh38, 1-based): chr17:80,104,638, C deleted; the last of 3 consecutive C bases (chr17:80,104,636-80,104,638); deleting any one gives the same sequence. VCF-style (leftmost placement, unchanged base first): chr17-80104635-GC-G. GRCh37 (hg19) VCF-style: chr17-78078434-GC-G.
Other names: c.52del, p.Leu18fs (NM_001079803.3, NM_001079804.3, NM_001406741.1 and 1 more transcripts); short protein forms L18fs.
Identifiers: ClinVar variation 4876567 (VCV004876567.1).